The following is an entry in ClinVar:

ClinVar aggregate classification (germline): Uncertain significance (1 of 4 stars; one submission).

Submission:

ISCA site 4
Classification: Uncertain significance. Last evaluated: 2011-08-12. Review status: criteria provided, single submitter. Criteria: Kaminsky et al. (Genet Med. 2011). Collection method: clinical testing. Allele origin: paternal. Affected: yes. Observed: 1 variant allele.
Comment: Copy number variation identified through the course of routine clinical cytogenomic testing in postnatal populations. Clinical assertions have been curated as described in Kaminsky et al. 2011.

GRCh38/hg38 3q21.3(chr3:128601065-129182579)x3

Genes: ACAD9 (acyl-CoA dehydrogenase family member 9; plus strand), ACAD9-DT (ACAD9 divergent transcript; minus strand), CFAP92 (cilia and flagella associated protein 92 (putative); minus strand), CNBP (CCHC-type zinc finger nucleic acid binding protein; minus strand), EFCC1 (EF-hand and coiled-coil domain containing 1; plus strand) and 35 more. Cytogenetic location: 3q21.3.
Variant type: copy number gain.
Change: copy number 3 (three copies instead of two) of chr3:128,601,065-129,182,579 (581.5 kb, GRCh38 coordinates, 1-based), cytogenetic band 3q21.3.
Identifiers: ClinVar variation 57147 (VCV000057147.1).